The following is an entry in ClinVar:

ClinVar aggregate classification (germline): Uncertain significance. Review status: criteria provided, multiple submitters, no conflicts (2 of 4 stars). 2 submissions from 2 submitters: Uncertain significance (2). Last evaluated 2025-08-07.

Conditions:
Inborn genetic diseases. Identifiers: MedGen C0950123, MeSH D030342.
Glycogen storage disease type III (GSD3). Also called: Cori disease; FORBES DISEASE. Identifiers: Orphanet 366, MedGen C0017922, MONDO:0009291, OMIM 232400.

Allele frequency attached by ClinVar (database versions not stated): gnomAD exomes below 0.00001; TOPMed below 0.00001.
gnomAD v4.1: 5 of 1,613,610 alleles (0.00031%); highest among the groups gnomAD compares: Admixed American, 0.0017%; no homozygotes.

Submissions (2):

Ambry Genetics
Classification: Uncertain significance for Inborn genetic diseases. Last evaluated: 2025-08-07. Review status: criteria provided, single submitter. Criteria: Ambry Variant Classification Scheme 2023. Collection method: clinical testing. Allele origin: germline.

Labcorp Genetics (formerly Invitae), Labcorp
Classification: Uncertain significance for Glycogen storage disease type III. Last evaluated: 2022-04-11. Review status: criteria provided, single submitter. Criteria: Invitae Variant Classification Sherloc (09022015). Collection method: clinical testing. Allele origin: germline.
Comment: This sequence change replaces isoleucine, which is neutral and non-polar, with methionine, which is neutral and non-polar, at codon 1010 of the AGL protein (p.Ile1010Met). This variant is not present in population databases (gnomAD no frequency). This variant has not been reported in the literature in individuals affected with AGL-related conditions. Algorithms developed to predict the effect of missense changes on protein structure and function are either unavailable or do not agree on the potential impact of this missense change (SIFT: "Deleterious"; PolyPhen-2: "Probably Damaging"; Align-GVGD: "Class C0"). In summary, the available evidence is currently insufficient to determine the role of this variant in disease. Therefore, it has been classified as a Variant of Uncertain Significance.

NM_000642.3(AGL):c.3030A>G (p.Ile1010Met)

Gene: AGL (amylo-alpha-1,6-glucosidase and 4-alpha-glucanotransferase; plus strand). Cytogenetic location: 1p21.2.
Variant type: single nucleotide variant.
Coding change: c.3030A>G on transcript NM_000642.3 (MANE Select); coding-DNA position 3030, A replaced by G.
Protein change: p.Ile1010Met; replaces isoleucine 1010 with methionine.
Molecular consequence: missense variant.
Genome position (GRCh38, 1-based): chr1:99,891,686, A>G. VCF-style: chr1-99891686-A-G. GRCh37 (hg19) VCF-style: chr1-100357242-A-G.
Other names: c.3030A>G (NM_000642.2); c.3030A>G, p.Ile1010Met (NM_000028.3, NM_000643.3, NM_000644.3 and 1 more transcripts); c.2982A>G, p.Ile994Met (NM_000646.3); c.3009A>G, p.Ile1003Met (NM_001425326.1); c.2829A>G, p.Ile943Met (NM_001425327.1); c.2826A>G, p.Ile942Met (NM_001425328.1); c.2691A>G, p.Ile897Met (NM_001425329.1); c.2652A>G, p.Ile884Met (NM_001425332.1); short protein forms I1010M, I994M, I1003M, I884M, I897M, I942M, I943M.
Identifiers: ClinVar variation 2052462 (VCV002052462.2), dbSNP rs905598978, ClinGen allele CA27526919.